The following is an entry in ClinVar:

NM_000458.4(HNF1B):c.110dup (p.Asn38fs)

Gene: HNF1B (HNF1 homeobox B; minus strand). Cytogenetic location: 17q12.
Variant type: Duplication.
Coding change: c.110dup on transcript NM_000458.4 (MANE Select); coding-DNA position 110, one base duplicated (C; older notation c.110dupC).
Protein change: p.Asn38fs; shifts the reading frame from asparagine 38.
Molecular consequence: frameshift variant.
Genome position (GRCh38, 1-based): chr17:37,744,775, G duplicated on the plus strand (C on the coding strand, the reverse complement: HNF1B is on the minus strand); the first of 4 consecutive G bases (chr17:37,744,775-37,744,778); duplicating any one gives the same sequence. VCF-style (leftmost placement, unchanged base first): chr17-37744774-C-CG. GRCh37 (hg19) VCF-style: chr17-36104765-C-CG.
Other names: c.110dup, p.Asn38fs (NM_001165923.4, NM_001304286.2); short protein forms N38fs.
Identifiers: ClinVar variation 635730 (VCV000635730.2), dbSNP rs1598854747, ClinGen allele CA913190807.

ClinVar aggregate classification (germline): Pathogenic/Likely pathogenic. Review status: criteria provided, multiple submitters, no conflicts (2 of 4 stars). 2 submissions from 2 submitters: Pathogenic (1); Likely pathogenic (1). Last evaluated 2019-07-06.

Conditions:
Maturity-onset diabetes of the young (MODY). Also called: Maturity onset diabetes mellitus in young. Identifiers: Orphanet 552, MedGen C0342276, MONDO:0018911, HP:0004904.
Renal cysts and diabetes syndrome (RCAD). Also called: Familial hypoplastic, glomerulocystic kidney; MATURITY-ONSET DIABETES OF THE YOUNG, TYPE 5. Identifiers: Orphanet 93111, MedGen C0431693, MONDO:0007669, OMIM 137920.

Submissions (2):

Institute of Human Genetics, FAU Erlangen, Friedrich-Alexander-Universität Erlangen-Nürnberg
Classification: Pathogenic for Renal cysts and diabetes syndrome. Last evaluated: 2019-07-06. Review status: criteria provided, single submitter. Criteria: ACMG Guidelines, 2015. Collection method: literature only. Allele origin: germline. Affected: yes.
Comment: This variant and it's classification has been reported by Vasileiou et al. 2019; DOI:10.1101/576918. The variants has previously been reported in PMID:25700310 as "c.110_111insC or c.110dupC" with clinical significance Pathogenic. It has been re-classified using InterVar and manual curation as Pathogenic based on PVS1 PM2 PP3.

Clinical Genomics, Uppaluri K&H Personalized Medicine Clinic
Classification: Likely pathogenic for Maturity-onset diabetes of the young. Review status: criteria provided, single submitter. Criteria: K & H Uppaluri Personalized Medicine Clinic Variant Classification & Assertion Criteria_Updated V.1. Collection method: research. Allele origin: unknown. Inheritance: Autosomal dominant inheritance.
Comment: HNF1B gene mutations are associated with early onset diabetes and pancreatic atrophy. It is also associated with multiple renal manifestations including renal cysts, Tubulointerstitial disease, glomerulocystic disease, renal hypoplasia, hypomagnesemia. However no sufficient evidence is found to ascertain the role of this particular variant rs1598854747, yet.

Literature cited by the submitters: PubMed 25700310 (cited by Institute of Human Genetics, FAU Erlangen, Friedrich-Alexander-Universität Erlangen-Nürnberg); DOI 10.1101/576918 (cited by Institute of Human Genetics, FAU Erlangen, Friedrich-Alexander-Universität Erlangen-Nürnberg); PubMed 24897035 (cited by Clinical Genomics, Uppaluri K&H Personalized Medicine Clinic); PubMed 25536396 (cited by Clinical Genomics, Uppaluri K&H Personalized Medicine Clinic); PubMed 27615128 (cited by Clinical Genomics, Uppaluri K&H Personalized Medicine Clinic); PubMed 28215227 (cited by Clinical Genomics, Uppaluri K&H Personalized Medicine Clinic); PubMed 33434175 (cited by Clinical Genomics, Uppaluri K&H Personalized Medicine Clinic); PubMed 25741167 (cited by Clinical Genomics, Uppaluri K&H Personalized Medicine Clinic); PubMed 26340261 (cited by Clinical Genomics, Uppaluri K&H Personalized Medicine Clinic); PubMed 19639018 (cited by Clinical Genomics, Uppaluri K&H Personalized Medicine Clinic).